The following is an entry in ClinVar:

NM_001080495.3(TNRC18):c.6818C>T (p.Pro2273Leu)

Gene: TNRC18 (trinucleotide repeat containing 18; minus strand). Cytogenetic location: 7p22.1.
Variant type: single nucleotide variant.
Coding change: c.6818C>T on transcript NM_001080495.3 (MANE Select); coding-DNA position 6818, C replaced by T.
Protein change: p.Pro2273Leu; replaces proline 2273 with leucine.
Molecular consequence: missense variant.
Genome position (GRCh38, 1-based): chr7:5,316,000, G>A on the plus strand (C>T on the coding strand, the complement: TNRC18 is on the minus strand). VCF-style: chr7-5316000-G-A. GRCh37 (hg19) VCF-style: chr7-5355631-G-A.
Other names: short protein forms P2273L.
Identifiers: ClinVar variation 718825 (VCV000718825.8), dbSNP rs199588962, ClinGen allele CA4143953.

ClinVar aggregate classification (germline): Conflicting classifications of pathogenicity. Review status: criteria provided, conflicting classifications (1 of 4 stars). 3 submissions from 3 submitters: Uncertain significance (1); Likely benign (2). Last evaluated 2026-02-01.

Allele frequency attached by ClinVar (database versions not stated): 1000 Genomes Project 30x 0.00031; 1000 Genomes Project 0.00040; gnomAD 0.00108 and 0.00113; gnomAD exomes 0.00114 and 0.00175; ExAC 0.00126; TOPMed 0.00130; ESP Exome Variant Server 0.00136.
gnomAD v4.1: 2,703 of 1,603,852 alleles (0.17%); highest among the groups gnomAD compares: Non-Finnish European, 0.21%; 5 homozygotes.

Submissions (3):

CeGaT Center for Human Genetics Tuebingen
Classification: Likely benign. Last evaluated: 2026-02-01. Review status: criteria provided, single submitter. Criteria: CeGaT Center For Human Genetics Tuebingen Variant Classification Criteria Version 2. Collection method: clinical testing. Allele origin: germline. Affected: yes. Observed: 1 variant allele.
Comment: TNRC18: BS2

Ambry Genetics
Classification: Uncertain significance. Last evaluated: 2023-12-27. Review status: criteria provided, single submitter. Criteria: Ambry Variant Classification Scheme 2023. Collection method: clinical testing. Allele origin: germline.

Labcorp Genetics (formerly Invitae), Labcorp
Classification: Likely benign. Last evaluated: 2018-07-26. Review status: criteria provided, single submitter. Criteria: Invitae Variant Classification Sherloc (09022015). Collection method: clinical testing. Allele origin: germline.